The following is an entry in ClinVar:

ClinVar aggregate classification (germline): Likely benign. Review status: criteria provided, single submitter (1 of 4 stars). 2 submissions from 2 submitters: Likely benign (1). 1 of the submissions does not count toward it. Last evaluated 2025-12-01.

Conditions:
LRRK1-related disorder. Also called: LRRK1-related condition.

Allele frequency attached by ClinVar (database versions not stated): gnomAD 0.00003; TOPMed 0.00003; ExAC 0.00007; 1000 Genomes Project 30x 0.00031; 1000 Genomes Project 0.00040.
gnomAD v4.1: 74 of 1,614,166 alleles (0.0046%); highest among the groups gnomAD compares: East Asian, 0.085%; no homozygotes.

Submissions (2):

Labcorp Genetics (formerly Invitae), Labcorp
Classification: Likely benign. Last evaluated: 2025-12-01. Review status: criteria provided, single submitter. Criteria: Invitae Variant Classification Sherloc (09022015). Collection method: clinical testing. Allele origin: germline.

PreventionGenetics, part of Exact Sciences
Classification: Likely benign for LRRK1-related condition. Last evaluated: 2019-08-20. Review status: no assertion criteria provided. Collection method: clinical testing. Allele origin: germline. Not counted in ClinVar's aggregate classification.
Comment: This variant is classified as likely benign based on ACMG/AMP sequence variant interpretation guidelines (Richards et al. 2015 PMID: 25741868, with internal and published modifications).

NM_024652.6(LRRK1):c.2784C>T (p.Ser928=)

Gene: LRRK1 (leucine rich repeat kinase 1; plus strand). Cytogenetic location: 15q26.3.
Variant type: single nucleotide variant.
Coding change: c.2784C>T on transcript NM_024652.6 (MANE Select); coding-DNA position 2784, C replaced by T.
Protein change: p.Ser928=; no amino-acid change (serine 928 retained).
Molecular consequence: synonymous variant.
Genome position (GRCh38, 1-based): chr15:101,029,053, C>T. VCF-style: chr15-101029053-C-T. GRCh37 (hg19) VCF-style: chr15-101569258-C-T.
Identifiers: ClinVar variation 1925482 (VCV001925482.7), dbSNP rs137936039, ClinGen allele CA7761351.